The following is an entry in ClinVar:

NM_004444.5(EPHB4):c.1655T>G (p.Val552Gly)

Gene: EPHB4 (EPH receptor B4; minus strand). Cytogenetic location: 7q22.1.
Variant type: single nucleotide variant.
Coding change: c.1655T>G on transcript NM_004444.5 (MANE Select); coding-DNA position 1655, T replaced by G.
Protein change: p.Val552Gly; replaces valine 552 with glycine.
Molecular consequence: missense variant.
Genome position (GRCh38, 1-based): chr7:100,813,955, A>C on the plus strand (T>G on the coding strand, the complement: EPHB4 is on the minus strand). VCF-style: chr7-100813955-A-C. GRCh37 (hg19) VCF-style: chr7-100411577-A-C.
Other names: short protein forms V552G.
Identifiers: ClinVar variation 1777345 (VCV001777345.2), dbSNP rs2485019969, ClinGen allele CA368571755.

ClinVar aggregate classification (germline): Uncertain significance (1 of 4 stars; one submission).

Conditions:
Cardiovascular phenotype. Identifiers: MedGen CN230736.

Submission:

Ambry Genetics
Classification: Uncertain significance for Cardiovascular phenotype. Last evaluated: 2022-03-04. Review status: criteria provided, single submitter. Criteria: Ambry Variant Classification Scheme 2023. Collection method: clinical testing. Allele origin: germline.
Comment: The p.V552G variant (also known as c.1655T>G), located in coding exon 9 of the EPHB4 gene, results from a T to G substitution at nucleotide position 1655. The valine at codon 552 is replaced by glycine, an amino acid with dissimilar properties. This amino acid position is conserved. In addition, this alteration is predicted to be tolerated by in silico analysis. Since supporting evidence is limited at this time, the clinical significance of this alteration remains unclear.